The following is an entry in ClinVar:

ClinVar aggregate classification (germline): Likely benign. Review status: criteria provided, multiple submitters, no conflicts (2 of 4 stars). 4 submissions from 4 submitters: Likely benign (3). 1 of the submissions does not count toward it. Last evaluated 2025-09-27.

Conditions:
Immunodeficiency 39 (IMD39). Identifiers: Orphanet 574918, MedGen C4225358, MONDO:0014597, OMIM 616345.
IRF7-related disorder. Also called: IRF7-related condition.

Allele frequency attached by ClinVar (database versions not stated): gnomAD 0.00013; TOPMed 0.00014; gnomAD exomes 0.00015; 1000 Genomes Project 30x 0.00016; ESP Exome Variant Server 0.00016; ExAC 0.00024.

Submissions (4):

Labcorp Genetics (formerly Invitae), Labcorp
Classification: Likely benign for Immunodeficiency 39. Last evaluated: 2025-09-27. Review status: criteria provided, single submitter. Criteria: Invitae Variant Classification Sherloc (09022015). Collection method: clinical testing. Allele origin: germline.

Blueprint Genetics
Classification: Likely benign. Last evaluated: 2024-11-08. Review status: criteria provided, single submitter. Criteria: ACMG Guidelines, 2015. Collection method: clinical testing. Allele origin: germline.

CeGaT Center for Human Genetics Tuebingen
Classification: Likely benign. Last evaluated: 2023-03-01. Review status: criteria provided, single submitter. Criteria: CeGaT Center For Human Genetics Tuebingen Variant Classification Criteria Version 2. Collection method: clinical testing. Allele origin: germline. Affected: yes. Observed: 1 variant allele.
Comment: IRF7: BP4, BP7

PreventionGenetics, part of Exact Sciences
Classification: Likely benign for IRF7-related condition. Last evaluated: 2019-10-28. Review status: no assertion criteria provided. Collection method: clinical testing. Allele origin: germline. Not counted in ClinVar's aggregate classification.
Comment: This variant is classified as likely benign based on ACMG/AMP sequence variant interpretation guidelines (Richards et al. 2015 PMID: 25741868, with internal and published modifications).

NM_001572.5(IRF7):c.87G>A (p.Gly29=)

Gene: IRF7 (interferon regulatory factor 7; minus strand). Cytogenetic location: 11p15.5.
Variant type: single nucleotide variant.
Coding change: c.87G>A on transcript NM_001572.5 (MANE Select); coding-DNA position 87, G replaced by A.
Protein change: p.Gly29=; no amino-acid change (glycine 29 retained).
Molecular consequence: synonymous variant.
Genome position (GRCh38, 1-based): chr11:615,193, C>T on the plus strand (G>A on the coding strand, the complement: IRF7 is on the minus strand). VCF-style: chr11-615193-C-T. GRCh37 (hg19) VCF-style: chr11-615193-C-T.
Other names: c.87G>A, p.Gly29= (NM_004029.4); c.126G>A, p.Gly42= (NM_004031.4).
Identifiers: ClinVar variation 756847 (VCV000756847.36), dbSNP rs140293843, ClinGen allele CA5784097.